The following is an entry in ClinVar:

ClinVar aggregate classification (germline): Likely benign (0 of 4 stars; one submission).

Conditions:
TJP2-related disorder. Also called: TJP2-related condition.

Submission:

PreventionGenetics, part of Exact Sciences
Classification: Likely benign for TJP2-related condition. Last evaluated: 2024-08-07. Review status: no assertion criteria provided. Collection method: clinical testing. Allele origin: germline.
Comment: This variant is classified as likely benign based on ACMG/AMP sequence variant interpretation guidelines (Richards et al. 2015 PMID: 25741868, with internal and published modifications).

NM_004817.4(TJP2):c.1878C>G (p.Thr626=)

Gene: TJP2 (tight junction protein 2; plus strand). Cytogenetic location: 9q21.11.
Variant type: single nucleotide variant.
Coding change: c.1878C>G on transcript NM_004817.4 (MANE Select); coding-DNA position 1878, C replaced by G.
Protein change: p.Thr626=; no amino-acid change (threonine 626 retained).
Molecular consequence: synonymous variant.
Genome position (GRCh38, 1-based): chr9:69,236,125, C>G. VCF-style: chr9-69236125-C-G. GRCh37 (hg19) VCF-style: chr9-71851041-C-G.
Other names: c.1809C>G, p.Thr603= (NM_001170414.2, NM_001369871.1); c.1890C>G, p.Thr630= (NM_001170415.1, NM_001369874.1, NM_001369875.1); c.1971C>G, p.Thr657= (NM_001170416.2); c.1803C>G, p.Thr601= (NM_001369870.1); c.1878C>G, p.Thr626= (NM_001369872.1, NM_001369873.1, NM_201629.3).
Identifiers: ClinVar variation 3346225 (VCV003346225.1).